The following is an entry in ClinVar:

NM_001939.3(DRP2):c.694C>T (p.Gln232Ter)

Gene: DRP2 (dystrophin related protein 2; plus strand). Cytogenetic location: Xq22.1.
Variant type: single nucleotide variant.
Coding change: c.694C>T on transcript NM_001939.3 (MANE Select); coding-DNA position 694, C replaced by T.
Protein change: p.Gln232Ter; replaces glutamine 232 with a stop codon.
Molecular consequence: nonsense.
Genome position (GRCh38, 1-based): chrX:101,241,802, C>T. VCF-style: chrX-101241802-C-T. GRCh37 (hg19) VCF-style: chrX-100496791-C-T.
Other names: c.460C>T, p.Gln154Ter (NM_001171184.2); short protein forms Q154*, Q232*.
Identifiers: ClinVar variation 5043300 (VCV005043300.1).

ClinVar aggregate classification (germline): Likely pathogenic (1 of 4 stars; one submission).

Conditions:
Charcot-Marie-Tooth disease. Also called: Charcot-Marie-Tooth Neuropathy; Charcot-Marie-Tooth Hereditary Neuropathy. Identifiers: Orphanet 166, MedGen C0007959, MONDO:0015626.

Submission:

Laboratory of Functional Genomics, Research Centre for Medical Genetics
Classification: Likely pathogenic for Charcot-Marie-Tooth disease. Last evaluated: 2026-11-11. Review status: criteria provided, single submitter. Criteria: ACMG Guidelines, 2015. Collection method: curation. Allele origin: unknown. Inheritance: X-linked inheritance. Affected: yes. Observed: 1 variant allele, 1 hemizygote.
Comment: The DRP2 NM_001939.2:c.694C>T variant is absent from gnomAD v4 (PM2_Supporting) and create the premature termination codon NP_001930.2:p.(Gln232Ter)in exon 7 of 24 and is predicted to trigger nonsense-mediated decay (NMD), resulting in loss of function (PVS1_Very Strong). The variant is therefore classified as Likely Pathogenic (PVS1_Very Strong, PM2_Supporting).

Literature cited by the submitters: DOI 10.1177/11795476251383753.